The following is an entry in ClinVar:

ClinVar aggregate classification (germline): Uncertain significance. Review status: criteria provided, multiple submitters, no conflicts (2 of 4 stars). 2 submissions from 2 submitters: Uncertain significance (2). Last evaluated 2023-11-20.

Conditions:
Familial thoracic aortic aneurysm and aortic dissection (TAAD). Also called: Thoracic aortic aneurysms and dissections. Identifiers: Orphanet 91387, MedGen C4707243, MONDO:0019625.
Marfan syndrome (MFS). Also called: FBN1-Related Marfan Syndrome; Marfan's syndrome; MARFAN SYNDROME, TYPE I; Marfan syndrome type 1; Marfan syndrome, classic. Identifiers: Orphanet 284963, Orphanet 558, MedGen C0024796, MONDO:0007947, OMIM 154700.

Allele frequency attached by ClinVar (database versions not stated): gnomAD exomes below 0.00001; ExAC 0.00001.
gnomAD v4.1: 1 of 1,614,008 alleles (0.000062%); highest among the groups gnomAD compares: Admixed American, 0.0017%; no homozygotes.

Submissions (2):

All of Us Research Program, National Institutes of Health
Classification: Uncertain significance for Marfan syndrome. Last evaluated: 2023-11-20. Review status: criteria provided, single submitter. Criteria: ACMG Guidelines, 2015. Collection method: clinical testing. Allele origin: germline. Inheritance: Autosomal dominant inheritance. Observed: 1 variant allele, 1 heterozygote.
Comment: This missense variant replaces lysine with threonine at codon 43 of the FBN1 protein. Computational prediction suggests that this variant may not impact protein structure and function (internally defined REVEL score threshold <= 0.5, PMID: 27666373). To our knowledge, functional studies have not been reported for this variant. This variant has not been reported in individuals affected with FBN1-related disorders in the literature. This variant has been identified in 1/251474 chromosomes in the general population by the Genome Aggregation Database (gnomAD). The available evidence is insufficient to determine the role of this variant in disease conclusively. Therefore, this variant is classified as a Variant of Uncertain Significance.

This study involves interpretation of variants in research participants for the purpose of population health screening. Participant phenotype was not available at the time of variant classification. Additional details can be found in publication PMID: 35346344, PMCID: PMC8962531

Labcorp Genetics (formerly Invitae), Labcorp
Classification: Uncertain significance for Marfan syndrome; Familial thoracic aortic aneurysm and aortic dissection. Last evaluated: 2019-05-04. Review status: criteria provided, single submitter. Criteria: Invitae Variant Classification Sherloc (09022015). Collection method: clinical testing. Allele origin: germline.
Comment: In summary, the available evidence is currently insufficient to determine the role of this variant in disease. Therefore, it has been classified as a Variant of Uncertain Significance. Algorithms developed to predict the effect of missense changes on protein structure and function are either unavailable or do not agree on the potential impact of this missense change (SIFT: "Deleterious"; PolyPhen-2: "Benign"; Align-GVGD: "Class C0"). This variant is present in population databases (rs766081333, ExAC 0.009%). This sequence change replaces lysine with threonine at codon 43 of the FBN1 protein (p.Lys43Thr). The lysine residue is moderately conserved and there is a moderate physicochemical difference between lysine and threonine.

NM_000138.5(FBN1):c.128A>C (p.Lys43Thr)

Gene: FBN1 (fibrillin 1; minus strand). Cytogenetic location: 15q21.1.
Variant type: single nucleotide variant.
Coding change: c.128A>C on transcript NM_000138.5 (MANE Select); coding-DNA position 128, A replaced by C.
Protein change: p.Lys43Thr; replaces lysine 43 with threonine.
Molecular consequence: missense variant.
Genome position (GRCh38, 1-based): chr15:48,644,642, T>G on the plus strand (A>C on the coding strand, the complement: FBN1 is on the minus strand). VCF-style: chr15-48644642-T-G. GRCh37 (hg19) VCF-style: chr15-48936839-T-G.
Other names: short protein forms K43T.
Identifiers: ClinVar variation 858546 (VCV000858546.10), dbSNP rs766081333, ClinGen allele CA044201.